The following is an entry in ClinVar:

ClinVar aggregate classification (germline): Uncertain significance. Review status: criteria provided, multiple submitters, no conflicts (2 of 4 stars). 2 submissions from 2 submitters: Uncertain significance (2). Last evaluated 2025-10-23.

Allele frequency attached by ClinVar (database versions not stated): gnomAD 0.00002 and 0.00003; gnomAD exomes 0.00002 and 0.00003; TOPMed 0.00002; ExAC 0.00005.
gnomAD v4.1: 43 of 1,613,946 alleles (0.0027%); highest among the groups gnomAD compares: Middle Eastern, 0.099%; no homozygotes.

Submissions (2):

Ambry Genetics
Classification: Uncertain significance. Last evaluated: 2025-10-23. Review status: criteria provided, single submitter. Criteria: Ambry Variant Classification Scheme 2023. Collection method: clinical testing. Allele origin: germline.

Labcorp Genetics (formerly Invitae), Labcorp
Classification: Uncertain significance. Last evaluated: 2024-03-06. Review status: criteria provided, single submitter. Criteria: Invitae Variant Classification Sherloc (09022015). Collection method: clinical testing. Allele origin: germline.
Comment: This sequence change replaces glycine, which is neutral and non-polar, with serine, which is neutral and polar, at codon 164 of the CCT2 protein (p.Gly164Ser). This variant is present in population databases (rs771740490, gnomAD 0.02%). This variant has not been reported in the literature in individuals affected with CCT2-related conditions. ClinVar contains an entry for this variant (Variation ID: 954086). An algorithm developed to predict the effect of missense changes on protein structure and function (PolyPhen-2) suggests that this variant is likely to be tolerated. In summary, the available evidence is currently insufficient to determine the role of this variant in disease. Therefore, it has been classified as a Variant of Uncertain Significance.

NM_006431.3(CCT2):c.490G>A (p.Gly164Ser)

Gene: CCT2 (chaperonin containing TCP1 subunit 2; plus strand). Cytogenetic location: 12q15.
Variant type: single nucleotide variant.
Coding change: c.490G>A on transcript NM_006431.3 (MANE Select); coding-DNA position 490, G replaced by A.
Protein change: p.Gly164Ser; replaces glycine 164 with serine.
Molecular consequence: missense variant.
Genome position (GRCh38, 1-based): chr12:69,589,528, G>A. VCF-style: chr12-69589528-G-A. GRCh37 (hg19) VCF-style: chr12-69983308-G-A.
Other names: c.349G>A, p.Gly117Ser (NM_001198842.2); short protein forms G117S, G164S.
Identifiers: ClinVar variation 954086 (VCV000954086.8), dbSNP rs771740490, ClinGen allele CA6680603.